The following is an entry in ClinVar:

ClinVar aggregate classification (germline): Uncertain significance (1 of 4 stars; one submission).

Allele frequency attached by ClinVar (database versions not stated): TOPMed below 0.00001; ExAC 0.00011.

Submission:

Athena Diagnostics
Classification: Uncertain significance. Last evaluated: 2022-12-15. Review status: criteria provided, single submitter. Criteria: Athena Diagnostics Criteria. Collection method: clinical testing. Allele origin: unknown.
Comment: Available data are insufficient to determine the clinical significance of the variant at this time. The frequency of this variant in the general population is higher than would generally be expected for pathogenic variants in this gene. Computational tools yielded predictions that this variant is unlikely to have an effect on normal RNA splicing.

NM_001378452.1(ITPR1):c.*7G>T

Gene: ITPR1 (inositol 1,4,5-trisphosphate receptor type 1; plus strand). Cytogenetic location: 3p26.1.
Variant type: single nucleotide variant.
Coding change: c.*7G>T on transcript NM_001378452.1 (MANE Select); 7 bases downstream of the stop codon, G replaced by T.
Molecular consequence: 3 prime UTR variant.
Genome position (GRCh38, 1-based): chr3:4,846,232, G>T. VCF-style: chr3-4846232-G-T. GRCh37 (hg19) VCF-style: chr3-4887916-G-T.
Other names: c.*7G>T (NM_001099952.4, NM_001168272.2, NM_002222.7).
Identifiers: ClinVar variation 2684233 (VCV002684233.1), dbSNP rs751098183, ClinGen allele CA2233114.
Genomic context (GRCh38, chr3:4,846,232, plus strand): 5'-GGTCTTCTAGGACATCCTCCTCACATGAATGTCAACCCACAACAACCAGCATAAGCAAAT[G>T]AAAGAAAGGAATTGTATTTACCTTTTATAATTATTATTAGTGTGGGTATGGCTAATGAGT-3'